The following is an entry in ClinVar:

NM_001267550.2(TTN):c.62558T>C (p.Phe20853Ser)

Genes: TTN (titin; minus strand), TTN-AS1 (TTN antisense RNA 1; plus strand). Cytogenetic location: 2q31.2.
Variant type: single nucleotide variant.
Coding change: c.62558T>C on transcript NM_001267550.2 (MANE Select); coding-DNA position 62558, T replaced by C.
Protein change: p.Phe20853Ser; replaces phenylalanine 20853 with serine.
Molecular consequence: missense variant.
Genome position (GRCh38, 1-based): chr2:178,589,167, A>G on the plus strand (T>C on the coding strand, the complement: TTN is on the minus strand). VCF-style: chr2-178589167-A-G. GRCh37 (hg19) VCF-style: chr2-179453894-A-G.
Other names: c.57635T>C, p.Phe19212Ser (NM_001256850.1); c.35363T>C, p.Phe11788Ser (NM_003319.4); c.54854T>C, p.Phe18285Ser (NM_133378.4); c.35738T>C, p.Phe11913Ser (NM_133432.3); c.35939T>C, p.Phe11980Ser (NM_133437.4); short protein forms F11788S, F11913S, F11980S, F18285S, F19212S, F20853S.
Identifiers: ClinVar variation 2636133 (VCV002636133.12), dbSNP rs375844494, ClinGen allele CA1992211.

ClinVar aggregate classification (germline): Uncertain significance. Review status: criteria provided, multiple submitters, no conflicts (2 of 4 stars). 3 submissions from 3 submitters: Uncertain significance (3). Last evaluated 2025-07-08.

Conditions:
TTN-related disorder. Also called: TTN-related disorders; TTN-related condition; TTN-related disease.

Allele frequency attached by ClinVar (database versions not stated): ExAC 0.00001; gnomAD 0.00001; gnomAD exomes 0.00001; TOPMed 0.00001; ESP Exome Variant Server 0.00008.
gnomAD v4.1: 18 of 1,613,366 alleles (0.0011%); highest among the groups gnomAD compares: Non-Finnish European, 0.0014%; no homozygotes.

Submissions (3):

GeneDx
Classification: Uncertain significance. Last evaluated: 2025-07-08. Review status: criteria provided, single submitter. Criteria: GeneDx Variant Classification Process June 2021. Collection method: clinical testing. Allele origin: germline. Affected: yes.
Comment: Not observed at significant frequency in large population cohorts (gnomAD); Missense variant in a gene in which most reported pathogenic variants are truncating/loss of function; Has not been previously published as pathogenic or benign to our knowledge

CeGaT Center for Human Genetics Tuebingen
Classification: Uncertain significance. Last evaluated: 2025-06-01. Review status: criteria provided, single submitter. Criteria: CeGaT Center For Human Genetics Tuebingen Variant Classification Criteria Version 2. Collection method: clinical testing. Allele origin: germline. Affected: yes. Observed: 1 variant allele.
Comment: TTN: PM2

PreventionGenetics, part of Exact Sciences
Classification: Uncertain significance for TTN-related condition. Last evaluated: 2023-03-20. Review status: criteria provided, single submitter. Criteria: ACMG Guidelines, 2015. Collection method: clinical testing. Allele origin: germline.
Comment: The TTN c.62558T>C variant is predicted to result in the amino acid substitution p.Phe20853Ser. To our knowledge, this variant has not been reported in the literature. This variant is reported in 0.0023% of alleles in individuals of European (Non-Finnish) descent in gnomAD. At this time, the clinical significance of this variant is uncertain due to the absence of conclusive functional and genetic evidence.